The following is an entry in ClinVar:

NM_025081.3(NYNRIN):c.1481A>G (p.Glu494Gly)

Gene: NYNRIN (NYN domain and retroviral integrase containing; plus strand). Cytogenetic location: 14q12.
Variant type: single nucleotide variant.
Coding change: c.1481A>G on transcript NM_025081.3 (MANE Select); coding-DNA position 1481, A replaced by G.
Protein change: p.Glu494Gly; replaces glutamic acid 494 with glycine.
Molecular consequence: missense variant.
Genome position (GRCh38, 1-based): chr14:24,409,275, A>G. VCF-style: chr14-24409275-A-G. GRCh37 (hg19) VCF-style: chr14-24878481-A-G.
Other names: short protein forms E494G.
Identifiers: ClinVar variation 3644539 (VCV003644539.2).

ClinVar aggregate classification (germline): Uncertain significance (1 of 4 stars; one submission).

Submission:

Labcorp Genetics (formerly Invitae), Labcorp
Classification: Uncertain significance. Last evaluated: 2024-03-05. Review status: criteria provided, single submitter. Criteria: Invitae Variant Classification Sherloc (09022015). Collection method: clinical testing. Allele origin: germline.
Comment: This sequence change replaces glutamic acid, which is acidic and polar, with glycine, which is neutral and non-polar, at codon 494 of the NYNRIN protein (p.Glu494Gly). This variant is not present in population databases (gnomAD no frequency). This variant has not been reported in the literature in individuals affected with NYNRIN-related conditions. Algorithms developed to predict the effect of missense changes on protein structure and function output the following: SIFT: "Not Available"; PolyPhen-2: "Not Available"; Align-GVGD: "Not Available". The glycine amino acid residue is found in multiple mammalian species, which suggests that this missense change does not adversely affect protein function. In summary, the available evidence is currently insufficient to determine the role of this variant in disease. Therefore, it has been classified as a Variant of Uncertain Significance.